The following is an entry in ClinVar:

ClinVar aggregate classification (germline): Uncertain significance (1 of 4 stars; one submission).

Conditions:
CREBBP-related disorder. Also called: CREBBP-related condition; CREBBP-related disorders.

Allele frequency attached by ClinVar (database versions not stated): gnomAD exomes 0.00001.
gnomAD v4.1: 11 of 1,614,154 alleles (0.00068%); highest among the groups gnomAD compares: Non-Finnish European, 0.00093%; no homozygotes.

Submission:

PreventionGenetics, part of Exact Sciences
Classification: Uncertain significance for CREBBP-related condition. Last evaluated: 2022-11-07. Review status: criteria provided, single submitter. Criteria: ACMG Guidelines, 2015. Collection method: clinical testing. Allele origin: germline.
Comment: The CREBBP c.2705C>A variant is predicted to result in the amino acid substitution p.Thr902Asn. To our knowledge, this variant has not been reported in the literature or in a large population database, indicating this variant is rare. At this time, the clinical significance of this variant is uncertain due to the absence of conclusive functional and genetic evidence.

NM_004380.3(CREBBP):c.2705C>A (p.Thr902Asn)

Gene: CREBBP (CREB binding lysine acetyltransferase; minus strand). Cytogenetic location: 16p13.3.
Variant type: single nucleotide variant.
Coding change: c.2705C>A on transcript NM_004380.3 (MANE Select); coding-DNA position 2705, C replaced by A.
Protein change: p.Thr902Asn; replaces threonine 902 with asparagine.
Molecular consequence: missense variant.
Genome position (GRCh38, 1-based): chr16:3,770,745, G>T on the plus strand (C>A on the coding strand, the complement: CREBBP is on the minus strand). VCF-style: chr16-3770745-G-T. GRCh37 (hg19) VCF-style: chr16-3820746-G-T.
Other names: c.2591C>A, p.Thr864Asn (NM_001079846.1); short protein forms T864N, T902N.
Identifiers: ClinVar variation 2634334 (VCV002634334.1), dbSNP rs1332741491, ClinGen allele CA394551101.
Genomic context (GRCh38, chr16:3,770,745, plus strand): 5'-GCTGCTGCCTGGACTGTAGGGGTGCTCTGGGTTTGGGTAGCACTGGGCACTGAGCCAGGA[G>T]TCGGGGTGGGAGTCTGCCCGGAAGACGACACAGGAGTTGATGGCTGAGTGGGAGCTGCTG-3'
Protein context (NP_004371.2, residues 892-912): VSSSGQTPTP[Thr902Asn]PGSVPSATQT